The following is an entry in ClinVar:

ClinVar aggregate classification (germline): Uncertain significance (1 of 4 stars; one submission).

Conditions:
Congenital myasthenic syndrome 4A. Also called: Myasthenic syndrome, congenital, 4a, slow-channel; MYASTHENIC SYNDROME, CONGENITAL, 4A, SLOW-CHANNEL, AUTOSOMAL RECESSIVE; CONGENITAL MYASTHENIC SYNDROME TYPE Ia1. Identifiers: Orphanet 590, MedGen C4225413, MONDO:0011600, OMIM 605809.

Allele frequency attached by ClinVar (database versions not stated): ExAC 0.00001; TOPMed 0.00001.
gnomAD v4.1: 5 of 1,609,942 alleles (0.00031%); highest among the groups gnomAD compares: Non-Finnish European, 0.00042%; no homozygotes.

Submission:

Labcorp Genetics (formerly Invitae), Labcorp
Classification: Uncertain significance for Congenital myasthenic syndrome 4A. Last evaluated: 2019-08-30. Review status: criteria provided, single submitter. Criteria: Invitae Variant Classification Sherloc (09022015). Collection method: clinical testing. Allele origin: germline.
Comment: This sequence change results in a premature translational stop signal in the CHRNE gene (p.Arg481*). While this is not anticipated to result in nonsense mediated decay, it is expected to disrupt the last 13 amino acids of the CHRNE protein. This variant is present in population databases (rs775550642, ExAC 0.002%). This variant has not been reported in the literature in individuals with CHRNE-related disease. In summary, the available evidence is currently insufficient to determine the role of this variant in disease. Therefore, it has been classified as a Variant of Uncertain Significance.

NM_000080.4(CHRNE):c.1441C>T (p.Arg481Ter)

Gene: CHRNE (cholinergic receptor nicotinic epsilon subunit; minus strand). Cytogenetic location: 17p13.2.
Variant type: single nucleotide variant.
Coding change: c.1441C>T on transcript NM_000080.4 (MANE Select); coding-DNA position 1441, C replaced by T.
Protein change: p.Arg481Ter; replaces arginine 481 with a stop codon.
Molecular consequence: nonsense.
Genome position (GRCh38, 1-based): chr17:4,898,777, G>A on the plus strand (C>T on the coding strand, the complement: CHRNE is on the minus strand). VCF-style: chr17-4898777-G-A. GRCh37 (hg19) VCF-style: chr17-4802072-G-A.
Other names: c.1441C>T, p.Arg481Ter (LRG_1254t1); short protein forms R481*.
Identifiers: ClinVar variation 647618 (VCV000647618.5), dbSNP rs775550642, ClinGen allele CA8313820.
Genomic context (GRCh38, chr17:4,898,777, plus strand): 5'-AAATTGAAGTCGGTGCGAGCTAAGGCTGGATACACGGCGCGTAGGGGAGATCAGGCACTC[G>A]GTTGAAGTAGGCCCCGAGGAAGATGAGGCTGGAGCCCACGCTGAAGAGCACCAGAGCGGC-3'